The following is an entry in ClinVar:

ClinVar aggregate classification (germline): Uncertain significance. Review status: criteria provided, multiple submitters, no conflicts (2 of 4 stars). 3 submissions from 3 submitters: Uncertain significance (3). Last evaluated 2024-12-30.

Conditions:
King Denborough syndrome (KDS). Identifiers: MedGen C1840365, MONDO:0020485, OMIM 619542.
Central core myopathy (CMYO1A). Also called: CONGENITAL MYOPATHY 1A, AUTOSOMAL DOMINANT, WITH SUSCEPTIBILITY TO MALIGNANT HYPERTHERMIA; Central core disease; Myopathy, central fibrillar. Identifiers: Orphanet 597, MedGen C5830701, MONDO:0007294, OMIM 117000.
Congenital multicore myopathy with external ophthalmoplegia (CMYO1B). Also called: MULTICORE MYOPATHY; Minicore myopathy with external ophthalmoplegia; Congenital myopathy 1B, autosomal recessive; Minicore myopathy; MULTIMINICORE DISEASE WITH EXTERNAL OPHTHALMOPLEGIA. Identifiers: Orphanet 598, Orphanet 98905, MedGen C1850674, MONDO:0009712, OMIM 255320, HP:0003789.
Malignant hyperthermia, susceptibility to, 1 (MHS1). Also called: Anesthesia related hyperthermia; Malignant hyperpyrexia; Fulminating hyperpyrexia; Pharmacogenic myopathy; RYR1-Related Malignant Hyperthermia Susceptibility; Malignant hyperthermia suceptibility 1. Identifiers: Orphanet 423, MedGen C2930980, MONDO:0007783, OMIM 145600.

Allele frequency attached by ClinVar (database versions not stated): gnomAD 0.00001; TOPMed 0.00002.
gnomAD v4.1: 1 of 1,613,394 alleles (0.000062%); highest among the groups gnomAD compares: African/African-American, 0.0013%; no homozygotes.

Submissions (3):

GeneDx
Classification: Uncertain significance. Last evaluated: 2024-12-30. Review status: criteria provided, single submitter. Criteria: GeneDx Variant Classification Process June 2021. Collection method: clinical testing. Allele origin: germline. Affected: yes.
Comment: Not observed at significant frequency in large population cohorts (gnomAD); In silico analysis supports that this missense variant has a deleterious effect on protein structure/function; Has not been previously published as pathogenic or benign to our knowledge

Fulgent Genetics
Classification: Uncertain significance for Central core myopathy; Malignant hyperthermia, susceptibility to, 1; Congenital multicore myopathy with external ophthalmoplegia; King Denborough syndrome. Last evaluated: 2024-04-02. Review status: criteria provided, single submitter. Criteria: ACMG Guidelines, 2015. Collection method: clinical testing. Allele origin: germline.

All of Us Research Program, National Institutes of Health
Classification: Uncertain significance for Malignant hyperthermia, susceptibility to, 1. Last evaluated: 2023-05-04. Review status: criteria provided, single submitter. Criteria: ACMG Guidelines, 2015. Collection method: clinical testing. Allele origin: germline. Inheritance: Autosomal dominant inheritance. Observed: 1 variant allele, 1 heterozygote.
Comment: This missense variant replaces alanine with glycine at codon 1530 of the RYR1 protein. Computational prediction suggests that this variant may not impact protein structure and function (internally defined REVEL score threshold <= 0.5, PMID: 27666373). To our knowledge, functional studies have not been reported for this variant. This variant has not been reported in individuals affected with RYR1-related disorders in the literature. This variant has not been identified in the general population by the Genome Aggregation Database (gnomAD). The available evidence is insufficient to determine the role of this variant in disease conclusively. Therefore, this variant is classified as a Variant of Uncertain Significance.

This study involves interpretation of variants in research participants for the purpose of population health screening. Participant phenotype was not available at the time of variant classification. Additional details can be found in publication PMID: 35346344, PMCID: PMC8962531

NM_000540.3(RYR1):c.4589C>G (p.Ala1530Gly)

Gene: RYR1 (ryanodine receptor 1; plus strand). Cytogenetic location: 19q13.2.
Variant type: single nucleotide variant.
Coding change: c.4589C>G on transcript NM_000540.3 (MANE Select); coding-DNA position 4589, C replaced by G.
Protein change: p.Ala1530Gly; replaces alanine 1530 with glycine.
Molecular consequence: missense variant.
Genome position (GRCh38, 1-based): chr19:38,478,569, C>G. VCF-style: chr19-38478569-C-G. GRCh37 (hg19) VCF-style: chr19-38969209-C-G.
Other names: c.4589C>G, p.Ala1530Gly (NM_001042723.2); short protein forms A1530G.
Identifiers: ClinVar variation 3070675 (VCV003070675.3), dbSNP rs963226554, ClinGen allele CA308085236.
Genomic context (GRCh38, chr19:38,478,569, plus strand): 5'-ACACGGACCTTGTCATTGGGTGCCTGGTGGACTTGGCCACTGGCTTAATGACCTTTACAG[C>G]CAATGGCAAAGAGAGCAACACCTTTTTCCAGGTGAGTCCAGGCCACAGCAATTTAGCGAG-3'
Protein context (NP_000531.2, residues 1520-1540): DLATGLMTFT[Ala1530Gly]NGKESNTFFQ